The following is an entry in ClinVar:

ClinVar aggregate classification (germline): Uncertain significance. Review status: criteria provided, single submitter (1 of 4 stars). 2 submissions from 2 submitters: Uncertain significance (1). 1 of the submissions does not count toward it. Last evaluated 2024-08-20.

Conditions:
MYCBP2-related disorder. Also called: MYCBP2-related condition.
Inborn genetic diseases. Identifiers: MedGen C0950123, MeSH D030342.

Submissions (2):

Ambry Genetics
Classification: Uncertain significance for Inborn genetic diseases. Last evaluated: 2024-08-20. Review status: criteria provided, single submitter. Criteria: Ambry Variant Classification Scheme 2023. Collection method: clinical testing. Allele origin: germline.

PreventionGenetics, part of Exact Sciences
Classification: Uncertain significance for MYCBP2-related condition. Last evaluated: 2024-03-28. Review status: no assertion criteria provided. Collection method: clinical testing. Allele origin: germline. Not counted in ClinVar's aggregate classification.
Comment: The MYCBP2 c.12856G>A variant is predicted to result in the amino acid substitution p.Asp4286Asn. To our knowledge, this variant has not been reported in the literature or in a large population database, indicating this variant is rare. At this time, the clinical significance of this variant is uncertain due to the absence of conclusive functional and genetic evidence.

NM_015057.5(MYCBP2):c.12856G>A (p.Asp4286Asn)

Gene: MYCBP2 (MYC binding protein 2; minus strand). Cytogenetic location: 13q22.3.
Variant type: single nucleotide variant.
Coding change: c.12856G>A on transcript NM_015057.5 (MANE Select); coding-DNA position 12856, G replaced by A.
Protein change: p.Asp4286Asn; replaces aspartic acid 4286 with asparagine.
Molecular consequence: missense variant.
Genome position (GRCh38, 1-based): chr13:77,061,709, C>T on the plus strand (G>A on the coding strand, the complement: MYCBP2 is on the minus strand). VCF-style: chr13-77061709-C-T. GRCh37 (hg19) VCF-style: chr13-77635844-C-T.
Other names: short protein forms D4286N.
Identifiers: ClinVar variation 3349733 (VCV003349733.2).